The following is an entry in ClinVar:

ClinVar aggregate classification (germline): Uncertain significance. Review status: criteria provided, multiple submitters, no conflicts (2 of 4 stars). 2 submissions from 2 submitters: Uncertain significance (2). Last evaluated 2025-06-26.

Allele frequency attached by ClinVar (database versions not stated): ExAC 0.00001; gnomAD exomes 0.00001.
gnomAD v4.1: 8 of 1,611,986 alleles (0.0005%); highest among the groups gnomAD compares: Non-Finnish European, 0.00068%; no homozygotes.

Submissions (2):

Ambry Genetics
Classification: Uncertain significance. Last evaluated: 2025-06-26. Review status: criteria provided, single submitter. Criteria: Ambry Variant Classification Scheme 2023. Collection method: clinical testing. Allele origin: germline.

Labcorp Genetics (formerly Invitae), Labcorp
Classification: Uncertain significance. Last evaluated: 2024-10-22. Review status: criteria provided, single submitter. Criteria: Invitae Variant Classification Sherloc (09022015). Collection method: clinical testing. Allele origin: germline.
Comment: This sequence change replaces proline, which is neutral and non-polar, with alanine, which is neutral and non-polar, at codon 142 of the PPP2R5B protein (p.Pro142Ala). This variant is present in population databases (rs750257738, gnomAD 0.003%). This variant has not been reported in the literature in individuals affected with PPP2R5B-related conditions. ClinVar contains an entry for this variant (Variation ID: 1955089). Invitae Evidence Modeling of protein sequence and biophysical properties (such as structural, functional, and spatial information, amino acid conservation, physicochemical variation, residue mobility, and thermodynamic stability) indicates that this missense variant is not expected to disrupt PPP2R5B protein function with a negative predictive value of 80%. In summary, the available evidence is currently insufficient to determine the role of this variant in disease. Therefore, it has been classified as a Variant of Uncertain Significance.

NM_006244.4(PPP2R5B):c.424C>G (p.Pro142Ala)

Genes: PPP2R5B (protein phosphatase 2 regulatory subunit B'beta; plus strand), LOC126861234 (BRD4-independent group 4 enhancer GRCh37_chr11:64694868-64696067; plus strand). Cytogenetic location: 11q13.1.
Variant type: single nucleotide variant.
Coding change: c.424C>G on transcript NM_006244.4 (MANE Select); coding-DNA position 424, C replaced by G.
Protein change: p.Pro142Ala; replaces proline 142 with alanine.
Molecular consequence: missense variant.
Genome position (GRCh38, 1-based): chr11:64,927,829, C>G. VCF-style: chr11-64927829-C-G. GRCh37 (hg19) VCF-style: chr11-64695301-C-G.
Other names: c.424C>G (NM_006244.3); short protein forms P142A.
Identifiers: ClinVar variation 1955089 (VCV001955089.6), dbSNP rs750257738, ClinGen allele CA6086812.
Genomic context (GRCh38, chr11:64,927,829, plus strand): 5'-TTTTCCTTAATGAACCCCAACTCTGCCACTCAGATCTCAGTGAATATCTTCCGGACTCTG[C>G]CGCCCAGTGAGAACCCTGAATTTGACCCTGAAGAGGATGAGCCCAATCTTGAGCCTTCGT-3'
Protein context (NP_006235.1, residues 132-152): MISVNIFRTL[Pro142Ala]PSENPEFDPE